The following is an entry in ClinVar:

ClinVar aggregate classification (germline): Pathogenic (1 of 4 stars; one submission).

Conditions:
Baraitser-Winter syndrome 1 (BRWS1). Also called: BARAITSER-WINTER SYNDROME 1, ATYPICAL; PACHYGYRIA, MENTAL RETARDATION, EPILEPSY, AND CHARACTERISTIC FACIES; MENTAL RETARDATION WITH EPILEPSY AND CHARACTERISTIC FACIES; Cerebrofrontofacial syndrome. Identifiers: Orphanet 2649, Orphanet 2995, MedGen C1855722, MONDO:0009470, OMIM 243310.

Submission:

Imagene.me medical diagnostic laboratory, IMAGENE.ME SA
Classification: Pathogenic for Baraitser-Winter syndrome 1. Review status: criteria provided, single submitter. Criteria: IMAGENE.ME Variant Classification SOP 2022. Collection method: clinical testing. Allele origin: de novo. Affected: yes.
Comment: Classified according to the IMAGENE.ME variant classification SOP based on the ACMG guidelines as Pathogenic (P): PS2 + PP3_Moderate + PM1_Supporting + PM2_Supporting + PP2 + PP4

NM_001101.5(ACTB):c.901G>A (p.Gly301Ser)

Gene: ACTB (actin beta; minus strand). Cytogenetic location: 7p22.1.
Variant type: single nucleotide variant.
Coding change: c.901G>A on transcript NM_001101.5 (MANE Select); coding-DNA position 901, G replaced by A.
Protein change: p.Gly301Ser; replaces glycine 301 with serine.
Molecular consequence: missense variant.
Genome position (GRCh38, 1-based): chr7:5,528,087, C>T on the plus strand (G>A on the coding strand, the complement: ACTB is on the minus strand). VCF-style: chr7-5528087-C-T. GRCh37 (hg19) VCF-style: chr7-5567718-C-T.
Other names: short protein forms G301S.
Identifiers: ClinVar variation 4685516 (VCV004685516.1).